The following is an entry in ClinVar:

NM_001267550.2(TTN):c.71809del (p.Thr23937fs)

Genes: TTN-AS1 (TTN antisense RNA 1; plus strand), TTN (titin; minus strand). Cytogenetic location: 2q31.2.
Variant type: Deletion.
Coding change: c.71809del on transcript NM_001267550.2 (MANE Select); coding-DNA position 71809, one base deleted (A; older notation c.71809delA).
Protein change: p.Thr23937fs; shifts the reading frame from threonine 23937.
Molecular consequence: frameshift variant.
Genome position (GRCh38, 1-based): chr2:178,574,323, T deleted on the plus strand (A on the coding strand, the reverse complement: TTN is on the minus strand). VCF-style (leftmost placement, unchanged base first): chr2-178574322-GT-G. GRCh37 (hg19) VCF-style: chr2-179439049-GT-G.
Other names: c.66886del, p.Thr22296fs (NM_001256850.1); c.44614del, p.Thr14872fs (NM_003319.4); c.64105del, p.Thr21369fs (NM_133378.4); c.44989del, p.Thr14997fs (NM_133432.3); c.45190del, p.Thr15064fs (NM_133437.4); short protein forms T14997fs, T23937fs, T14872fs, T15064fs, T22296fs, T21369fs.
Identifiers: ClinVar variation 4790657 (VCV004790657.1).

ClinVar aggregate classification (germline): Likely pathogenic (1 of 4 stars; one submission).

Conditions:
Autosomal recessive limb-girdle muscular dystrophy type 2J (LGMDR10). Also called: Limb-girdle muscular dystrophy, type 2J; MUSCULAR DYSTROPHY, LIMB-GIRDLE, AUTOSOMAL RECESSIVE 10. Identifiers: Orphanet 140922, MedGen C1837342, MONDO:0012127, OMIM 608807.
Dilated cardiomyopathy 1G (CMD1G). Identifiers: Orphanet 154, MedGen C1858763, MONDO:0011400, OMIM 604145.

Submission:

Labcorp Genetics (formerly Invitae), Labcorp
Classification: Likely pathogenic for Dilated cardiomyopathy 1G; Autosomal recessive limb-girdle muscular dystrophy type 2J. Last evaluated: 2025-11-27. Review status: criteria provided, single submitter. Criteria: Invitae Variant Classification Sherloc (09022015). Collection method: clinical testing. Allele origin: germline.
Comment: This sequence change creates a premature translational stop signal (p.Thr23937Glnfs*5) in the TTN gene. While this is not anticipated to result in nonsense mediated decay, it is expected to create a truncated TTN protein. This variant is not present in population databases (gnomAD no frequency). This variant has not been reported in the literature in individuals affected with TTN-related conditions. This variant is located in the A band of TTN (PMID: 25589632). Truncating variants in this region are significantly overrepresented in patients affected with dilated cardiomyopathy (PMID: 25589632). Truncating variants in this region have also been reported in individuals affected with autosomal recessive centronuclear myopathy (PMID: 23975875). In summary, the currently available evidence indicates that the variant is pathogenic, but additional data are needed to prove that conclusively. Therefore, this variant has been classified as Likely Pathogenic.

Literature cited by the submitters: PubMed 25589632; PubMed 23975875.